The following is an entry in ClinVar:

ClinVar aggregate classification (germline): Uncertain significance (1 of 4 stars; one submission).

Conditions:
Rhabdoid tumor predisposition syndrome 2 (RTPS2). Identifiers: Orphanet 231108, Orphanet 69077, MedGen C2750074, MONDO:0013224, OMIM 613325.

Submission:

Labcorp Genetics (formerly Invitae), Labcorp
Classification: Uncertain significance for Rhabdoid tumor predisposition syndrome 2. Last evaluated: 2022-02-09. Review status: criteria provided, single submitter. Criteria: Invitae Variant Classification Sherloc (09022015). Collection method: clinical testing. Allele origin: germline.
Comment: This variant has not been reported in the literature in individuals affected with SMARCA4-related conditions. This variant is not present in population databases (gnomAD no frequency). This sequence change replaces glycine, which is neutral and non-polar, with arginine, which is basic and polar, at codon 274 of the SMARCA4 protein (p.Gly274Arg). Algorithms developed to predict the effect of missense changes on protein structure and function (SIFT, PolyPhen-2, Align-GVGD) all suggest that this variant is likely to be disruptive. In summary, the available evidence is currently insufficient to determine the role of this variant in disease. Therefore, it has been classified as a Variant of Uncertain Significance.

NM_003072.5(SMARCA4):c.820G>C (p.Gly274Arg)

Gene: SMARCA4 (SWI/SNF related BAF chromatin remodeling complex subunit ATPase 4; plus strand). Cytogenetic location: 19p13.2.
Variant type: single nucleotide variant.
Coding change: c.820G>C on transcript NM_003072.5 (MANE Select); coding-DNA position 820, G replaced by C.
Protein change: p.Gly274Arg; replaces glycine 274 with arginine.
Molecular consequence: missense variant. On other transcripts: non-coding transcript variant (1).
Genome position (GRCh38, 1-based): chr19:10,986,964, G>C. VCF-style: chr19-10986964-G-C. GRCh37 (hg19) VCF-style: chr19-11097640-G-C.
Other names: c.820G>C, p.Gly274Arg (NM_001128844.3, NM_001128845.2, NM_001128846.2 and 6 more transcripts); short protein forms G274R.
Identifiers: ClinVar variation 2040162 (VCV002040162.4), dbSNP rs2514021400, ClinGen allele CA404058057.
Genomic context (GRCh38, chr19:10,986,964, plus strand): 5'-GGTATGGGAGGGCCCAACATGCCTCCCCCAGGACCCTCGGGCGTGCCCCCCGGGATGCCA[G>C]GCCAGCCTCCTGGAGGGCCTCCCAAGCCCTGGCCTGAAGGTGAGCTCCCTCTTCTATGGT-3'
Protein context (NP_003063.2, residues 264-284): GPSGVPPGMP[Gly274Arg]QPPGGPPKPW